The following is an entry in ClinVar:

NM_000812.4(GABRB1):c.1243G>C (p.Gly415Arg)

Gene: GABRB1 (gamma-aminobutyric acid type A receptor subunit beta1; plus strand). Cytogenetic location: 4p12.
Variant type: single nucleotide variant.
Coding change: c.1243G>C on transcript NM_000812.4 (MANE Select); coding-DNA position 1243, G replaced by C.
Protein change: p.Gly415Arg; replaces glycine 415 with arginine.
Molecular consequence: missense variant.
Genome position (GRCh38, 1-based): chr4:47,425,836, G>C. VCF-style: chr4-47425836-G-C. GRCh37 (hg19) VCF-style: chr4-47427853-G-C.
Other names: short protein forms G415R.
Identifiers: ClinVar variation 1805092 (VCV001805092.1), dbSNP rs373654564, ClinGen allele CA356767446.

ClinVar aggregate classification (germline): Uncertain significance (1 of 4 stars; one submission).

Conditions:
Developmental and epileptic encephalopathy, 45 (DEE45). Also called: Epileptic encephalopathy, early infantile, 45. Identifiers: MedGen C4310691, MONDO:0014942, OMIM 617153.

gnomAD v4.1: 17 of 1,613,992 alleles (0.0011%); highest among the groups gnomAD compares: Non-Finnish European, 0.0014%; no homozygotes.

Submission:

Victorian Clinical Genetics Services, Murdoch Childrens Research Institute
Classification: Uncertain significance for Developmental and epileptic encephalopathy, 45. Last evaluated: 2022-02-02. Review status: criteria provided, single submitter. Criteria: ACMG Guidelines, 2015. Collection method: clinical testing. Allele origin: germline. Inheritance: Autosomal dominant inheritance. Affected: yes.
Comment: Based on the classification scheme VCGS_Germline_v1.3.4, this variant is classified as VUS-3B. Following criteria are met: 0101 - Gain of function is a likely mechanism of disease in this gene and is associated with developmental and epileptic encephalopathy 45 (MIM#617153). Transfected HEK293 cells demonstrate increased channel burst duration and open mean time, while channel deactivation rate was slowed (PMID: 26950270). (I) 0107 - This gene is associated with autosomal dominant disease. (I) 0200 - Variant is predicted to result in a missense amino acid change from glycine to arginine. (I) 0251 - This variant is heterozygous. (I) 0302 - Variant is present in gnomAD (v3) <0.001 for a dominant condition (1 heterozygote, 0 homozygotes). (SP) 0502 - Missense variant with conflicting in silico predictions and uninformative conservation. (I) 0604 - Variant is not located in an established domain, motif, hotspot or informative constraint region. (I) 0705 - No comparable missense variants have previous evidence for pathogenicity. (I) 0807 - This variant has no previous evidence of pathogenicity. (I) 0905 - No published segregation evidence has been identified for this variant. (I) 1007 - No published functional evidence has been identified for this variant. (I) 1208 - Inheritance information for this variant is not currently available in this individual. (I) Legend: (SP) - Supporting pathogenic, (I) - Information, (SB) - Supporting benign

Literature cited by the submitters: PubMed 26950270.